The following is an entry in ClinVar:

ClinVar aggregate classification (germline): Pathogenic/Likely pathogenic. Review status: criteria provided, multiple submitters, no conflicts (2 of 4 stars). 4 submissions from 4 submitters: Pathogenic (1); Likely pathogenic (3). Last evaluated 2026-01-26.

Conditions:
Leukodystrophy, hypomyelinating, 7, with or without oligodontia and/or hypogonadotropic hypogonadism (HLD7). Also called: LEUKOENCEPHALOPATHY, HYPOMYELINATING, WITH ATAXIA AND DELAYED DENTITION; ATAXIA, DELAYED DENTITION, AND HYPOMYELINATION; LEUKODYSTROPHY, HYPOMYELINATING, 7, WITH OLIGODONTIA; LEUKODYSTROPHY, HYPOMYELINATING, 7, WITH OLIGODONTIA AND HYPOGONADOTROPIC HYPOGONADISM; LEUKODYSTROPHY, HYPOMYELINATING, 7, WITHOUT OLIGODONTIA OR HYPOGONADOTROPIC HYPOGONADISM; Ataxia, Delayed Dentition and Hypomyelination (ADDH). Identifiers: Orphanet 137639, Orphanet 447893, Orphanet 447896, Orphanet 77295, Orphanet 88637, MedGen CN034185, MONDO:0011897, OMIM 607694.

Allele frequency attached by ClinVar (database versions not stated): TOPMed below 0.00001; gnomAD 0.00001; ExAC 0.00003; gnomAD exomes 0.00003.
gnomAD v4.1: 14 of 1,612,222 alleles (0.00087%); highest among the groups gnomAD compares: East Asian, 0.0022%; no homozygotes.

Submissions (4):

Labcorp Genetics (formerly Invitae), Labcorp
Classification: Pathogenic. Last evaluated: 2026-01-26. Review status: criteria provided, single submitter. Criteria: Invitae Variant Classification Sherloc (09022015). Collection method: clinical testing. Allele origin: germline.
Comment: This sequence change creates a premature translational stop signal (p.Arg808*) in the POLR3A gene. It is expected to result in an absent or disrupted protein product. Loss-of-function variants in POLR3A are known to be pathogenic (PMID: 21855841, 25339210, 27612211, 30414627, 30450527). This variant is present in population databases (rs750874617, gnomAD 0.006%). This variant has not been reported in the literature in individuals affected with POLR3A-related conditions. ClinVar contains an entry for this variant (Variation ID: 806529). Algorithms developed to predict the effect of sequence changes on RNA splicing suggest that this variant may disrupt the consensus splice site. For these reasons, this variant has been classified as Pathogenic.

GeneDx
Classification: Likely pathogenic. Last evaluated: 2024-09-09. Review status: criteria provided, single submitter. Criteria: GeneDx Variant Classification Process June 2021. Collection method: clinical testing. Allele origin: germline. Affected: yes.
Comment: Nonsense variant predicted to result in protein truncation or nonsense mediated decay in a gene for which loss of function is a known mechanism of disease; Not observed at significant frequency in large population cohorts (gnomAD); This variant is associated with the following publications: (PMID: 36825045, 35578252)

Broad Center for Mendelian Genomics, Broad Institute of MIT and Harvard
Classification: Likely pathogenic for Leukodystrophy, hypomyelinating, 7, with or without oligodontia and/or hypogonadotropic hypogonadism. Last evaluated: 2023-01-24. Review status: criteria provided, single submitter. Criteria: ACMG Guidelines, 2015. Collection method: curation. Allele origin: germline. Inheritance: Autosomal recessive inheritance.
Comment: The p.Arg808Ter variant in POLR3A has been reported in 1 individual, with POLR3A-related disorders (PMID: 35578252) and has been identified in 0.005% (1/18392) of East Asian chromosomes by the Genome Aggregation Database (gnomAD; dbSNP ID: rs750874617). Although this variant has been seen in the general population in a heterozygous state, its frequency is low enough to be consistent with a recessive carrier frequency. This variant has also been reported in ClinVar (Variation ID#: 806529) and has been interpreted as pathogenic or likely pathogenic by CeGaT Center for Human Genetics Tuebingen and Invitae. This nonsense variant leads to a premature termination codon at position 808, which is predicted to lead to a truncated or absent protein. Loss of function of the POLR3A gene is an established disease mechanism in autosomal recessive POLR3A-related disorders. In summary, although additional studies are required to fully establish its clinical significance, this variant is likely pathogenic for for autosomal recessive POLR3A-related disorders. ACMG/AMP Criteria applied: PVS1, PM2 (Richards 2015).

CeGaT Center for Human Genetics Tuebingen
Classification: Likely pathogenic. Last evaluated: 2018-11-01. Review status: criteria provided, single submitter. Criteria: CeGaT Center For Human Genetics Tuebingen Variant Classification Criteria Version 2. Collection method: clinical testing. Allele origin: germline. Affected: yes. Observed: 1 variant allele.

Literature cited by the submitters: PubMed 21855841 (cited by Labcorp Genetics (formerly Invitae), Labcorp); PubMed 25339210 (cited by Labcorp Genetics (formerly Invitae), Labcorp); PubMed 27612211 (cited by Labcorp Genetics (formerly Invitae), Labcorp); PubMed 30414627 (cited by Labcorp Genetics (formerly Invitae), Labcorp); PubMed 30450527 (cited by Labcorp Genetics (formerly Invitae), Labcorp).

NM_007055.4(POLR3A):c.2422C>T (p.Arg808Ter)

Gene: POLR3A (RNA polymerase III subunit A; minus strand). Cytogenetic location: 10q22.3.
Variant type: single nucleotide variant.
Coding change: c.2422C>T on transcript NM_007055.4 (MANE Select); coding-DNA position 2422, C replaced by T.
Protein change: p.Arg808Ter; replaces arginine 808 with a stop codon.
Molecular consequence: nonsense.
Genome position (GRCh38, 1-based): chr10:78,001,032, G>A on the plus strand (C>T on the coding strand, the complement: POLR3A is on the minus strand). VCF-style: chr10-78001032-G-A. GRCh37 (hg19) VCF-style: chr10-79760790-G-A.
Other names: NM_007055.4(POLR3A):c.2422C>T; p.Arg808Ter; c.2422C>T (NM_007055.3); short protein forms R808*.
Identifiers: ClinVar variation 806529 (VCV000806529.48), dbSNP rs750874617, ClinGen allele CA5571122.